The following is an entry in ClinVar:

ClinVar aggregate classification (germline): Uncertain significance (1 of 4 stars; one submission).

Allele frequency attached by ClinVar (database versions not stated): gnomAD exomes below 0.00001; TOPMed below 0.00001.
gnomAD v4.1: 1 of 1,614,110 alleles (0.000062%); highest among the groups gnomAD compares: Non-Finnish European, 0.000085%; no homozygotes.

Submission:

Labcorp Genetics (formerly Invitae), Labcorp
Classification: Uncertain significance. Last evaluated: 2022-04-30. Review status: criteria provided, single submitter. Criteria: Invitae Variant Classification Sherloc (09022015). Collection method: clinical testing. Allele origin: germline.
Comment: This variant is not present in population databases (gnomAD no frequency). In summary, the available evidence is currently insufficient to determine the role of this variant in disease. Therefore, it has been classified as a Variant of Uncertain Significance. Algorithms developed to predict the effect of sequence changes on RNA splicing suggest that this variant may create or strengthen a splice site. Advanced modeling of protein sequence and biophysical properties (such as structural, functional, and spatial information, amino acid conservation, physicochemical variation, residue mobility, and thermodynamic stability) performed at Invitae indicates that this missense variant is expected to disrupt COL9A2 protein function. This variant has not been reported in the literature in individuals affected with COL9A2-related conditions. This sequence change replaces glycine, which is neutral and non-polar, with arginine, which is basic and polar, at codon 367 of the COL9A2 protein (p.Gly367Arg).

NM_001852.4(COL9A2):c.1099G>A (p.Gly367Arg)

Gene: COL9A2 (collagen type IX alpha 2 chain; minus strand). Cytogenetic location: 1p34.2.
Variant type: single nucleotide variant.
Coding change: c.1099G>A on transcript NM_001852.4 (MANE Select); coding-DNA position 1099, G replaced by A.
Protein change: p.Gly367Arg; replaces glycine 367 with arginine.
Molecular consequence: missense variant.
Genome position (GRCh38, 1-based): chr1:40,305,723, C>T on the plus strand (G>A on the coding strand, the complement: COL9A2 is on the minus strand). VCF-style: chr1-40305723-C-T. GRCh37 (hg19) VCF-style: chr1-40771395-C-T.
Other names: short protein forms G367R.
Identifiers: ClinVar variation 1476881 (VCV001476881.8), dbSNP rs945878312, ClinGen allele CA21041493.
Genomic context (GRCh38, chr1:40,305,723, plus strand): 5'-CATGGCCTCACCCTAAAGCAGGAACCCTTGTGTCAGTGCAGGGGGCATTTACCTCTTTCC[C>T]AGGGGGACCAGAGAATCCAGGAAGGCCCTGCGGGCCCGGCTCACCCTGCAGGAAAACAGT-3'
Protein context (NP_001843.1, residues 357-377): QGLPGFSGPP[Gly367Arg]KEGEPGPRGE